The following is an entry in ClinVar:

NM_001110556.2(FLNA):c.3877G>A (p.Val1293Ile)

Gene: FLNA (filamin A; minus strand). Cytogenetic location: Xq28.
Variant type: single nucleotide variant.
Coding change: c.3877G>A on transcript NM_001110556.2 (MANE Select); coding-DNA position 3877, G replaced by A.
Protein change: p.Val1293Ile; replaces valine 1293 with isoleucine.
Molecular consequence: missense variant.
Genome position (GRCh38, 1-based): chrX:154,359,834, C>T on the plus strand (G>A on the coding strand, the complement: FLNA is on the minus strand). VCF-style: chrX-154359834-C-T. GRCh37 (hg19) VCF-style: chrX-153588202-C-T.
Other names: c.3877G>A, p.Val1293Ile (NM_001456.4); short protein forms V1293I.
Identifiers: ClinVar variation 514430 (VCV000514430.27), dbSNP rs782265007, ClinGen allele CA10560642.
Genomic context (GRCh38, chrX:154,359,834, plus strand): 5'-CACGGTCCTGAACGTAGGTCTCCGTCAGGTTGCCTGAGGGGTTGGCCACACGGGCCTTGA[C>T]GTGCGGCCCTCCGGTCTGTGTCAGAGCCCGGGCGTCCACACTGAACTCAGTGGTGGCCTC-3'
Protein context (NP_001104026.1, residues 1283-1303): RALTQTGGPH[Val1293Ile]KARVANPSGN

ClinVar aggregate classification (germline): Benign/Likely benign. Review status: criteria provided, multiple submitters, no conflicts (2 of 4 stars). 6 submissions from 6 submitters: Benign (3); Likely benign (3). Last evaluated 2025-12-15.

Conditions:
Heterotopia, periventricular, X-linked dominant (PVNH1). Also called: PERIVENTRICULAR NODULAR HETEROTOPIA 1; X-linked periventricular heterotopia; PERIVENTRICULAR NODULAR HETEROTOPIA 4; HETEROTOPIA, PERIVENTRICULAR, 1. Identifiers: Orphanet 2149, Orphanet 82004, MedGen C1848213, MONDO:0010233, OMIM 300049.
Melnick-Needles syndrome (MNS). Also called: OSTEODYSPLASTY OF MELNICK AND NEEDLES; Melnick-Needles Syndrome (FLNA-MNS); MELNICK-NEEDLES OSTEODYSPLASTY. Identifiers: Orphanet 2484, MedGen C0025237, MONDO:0010650, OMIM 309350.
Oto-palato-digital syndrome, type II (OPD2). Also called: OPD II SYNDROME; Otopalatodigital Syndrome, Type II; FACIOPALATOOSSEOUS SYNDROME; Otopalatodigital Syndrome Type 2 (FLNA-OPD2). Identifiers: Orphanet 669, Orphanet 90652, MedGen C1844696, MONDO:0010571, OMIM 304120.
Frontometaphyseal dysplasia (FMD1). Identifiers: Orphanet 1826, MedGen C0265293, MONDO:0015942.
Familial thoracic aortic aneurysm and aortic dissection (TAAD). Also called: Thoracic aortic aneurysms and dissections. Identifiers: Orphanet 91387, MedGen C4707243, MONDO:0019625.

Allele frequency attached by ClinVar (database versions not stated): TOPMed 0.00007; gnomAD 0.00008 and 0.00018; gnomAD exomes 0.00030 and 0.00051; ExAC 0.00059; 1000 Genomes Project 0.00106; 1000 Genomes Project 30x 0.00146.
gnomAD v4.1: 369 of 1,209,309 alleles (0.031%); highest among the groups gnomAD compares: South Asian, 0.49%; 2 homozygotes.

Submissions (6):

Labcorp Genetics (formerly Invitae), Labcorp
Classification: Benign for Oto-palato-digital syndrome, type II; Heterotopia, periventricular, X-linked dominant; Frontometaphyseal dysplasia; Melnick-Needles syndrome. Last evaluated: 2025-12-15. Review status: criteria provided, single submitter. Criteria: Invitae Variant Classification Sherloc (09022015). Collection method: clinical testing. Allele origin: germline.

Women's Health and Genetics/Laboratory Corporation of America, LabCorp
Classification: Benign. Last evaluated: 2024-08-07. Review status: criteria provided, single submitter. Criteria: LabCorp Variant Classification Summary - May 2015. Collection method: clinical testing. Allele origin: germline.
Comment: Variant summary: FLNA c.3877G>A (p.Val1293Ile) results in a conservative amino acid change located in a filamin/ABP280 repeat (IPR001298) within the encoded protein sequence. Five of five in-silico tools predict a benign effect of the variant on protein function. The variant allele was found at a frequency of 0.00051 in 180597 control chromosomes, predominantly at a frequency of 0.0045 within the South Asian subpopulation in the gnomAD database (v2.1 exomes dataset), including 57 hemizygotes and 1 homozygote. To our knowledge, no occurrence of c.3877G>A in individuals affected with FLNA-related disorders and no experimental evidence demonstrating its impact on protein function have been reported. ClinVar contains an entry for this variant (Variation ID: 514430). Based on the evidence outlined above, the variant was classified as benign.

Blueprint Genetics
Classification: Likely benign. Last evaluated: 2024-06-05. Review status: criteria provided, single submitter. Criteria: ACMG Guidelines, 2015. Collection method: clinical testing. Allele origin: germline.

ARUP Laboratories, Molecular Genetics and Genomics, ARUP Laboratories
Classification: Likely benign. Last evaluated: 2021-11-09. Review status: criteria provided, single submitter. Criteria: ARUP Molecular Germline Variant Investigation Process 2021. Collection method: clinical testing. Allele origin: germline.

GeneDx
Classification: Likely benign. Last evaluated: 2020-12-07. Review status: criteria provided, single submitter. Criteria: GeneDx Variant Classification Process June 2021. Collection method: clinical testing. Allele origin: germline. Affected: yes.

Ambry Genetics
Classification: Benign for Familial thoracic aortic aneurysm and aortic dissection. Last evaluated: 2018-12-13. Review status: criteria provided, single submitter. Criteria: Ambry Variant Classification Scheme 2023. Collection method: clinical testing. Allele origin: germline.